The following is an entry in ClinVar:

NM_001753.5(CAV1):c.58G>A (p.Glu20Lys)

Gene: CAV1 (caveolin 1; plus strand). Cytogenetic location: 7q31.2.
Variant type: single nucleotide variant.
Coding change: c.58G>A on transcript NM_001753.5 (MANE Select); coding-DNA position 58, G replaced by A.
Protein change: p.Glu20Lys; replaces glutamic acid 20 with lysine.
Molecular consequence: missense variant. On other transcripts: 5 prime UTR variant (3).
Genome position (GRCh38, 1-based): chr7:116,526,552, G>A. VCF-style: chr7-116526552-G-A. GRCh37 (hg19) VCF-style: chr7-116166606-G-A.
Other names: c.-36G>A (NM_001172895.1, NM_001172896.2, NM_001172897.2); short protein forms E20K.
Identifiers: ClinVar variation 1750390 (VCV001750390.2), dbSNP rs1793566237, ClinGen allele CA369116621.

ClinVar aggregate classification (germline): Uncertain significance (1 of 4 stars; one submission).

Conditions:
Inborn genetic diseases. Identifiers: MedGen C0950123, MeSH D030342.

Allele frequency attached by ClinVar (database versions not stated): gnomAD exomes below 0.00001.
gnomAD v4.1: 2 of 1,614,124 alleles (0.00012%); highest among the groups gnomAD compares: Non-Finnish European, 0.00017%; no homozygotes.

Submission:

Ambry Genetics
Classification: Uncertain significance for Inborn genetic diseases. Last evaluated: 2021-07-07. Review status: criteria provided, single submitter. Criteria: Ambry Variant Classification Scheme 2023. Collection method: clinical testing. Allele origin: germline.
Comment: The p.E20K variant (also known as c.58G>A), located in coding exon 2 of the CAV1 gene, results from a G to A substitution at nucleotide position 58. The glutamic acid at codon 20 is replaced by lysine, an amino acid with similar properties. This amino acid position is conserved. In addition, the in silico prediction for this alteration is inconclusive. Since supporting evidence is limited at this time, the clinical significance of this alteration remains unclear.